The following is an entry in ClinVar:

NM_152618.3(BBS12):c.655_658del (p.Ser219fs)

Gene: BBS12 (Bardet-Biedl syndrome 12; plus strand). Cytogenetic location: 4q27.
Variant type: Deletion.
Coding change: c.655_658del on transcript NM_152618.3 (MANE Select); coding-DNA positions 655 to 658, 4 bases deleted (AGCC; older notation c.655_658delAGCC).
Protein change: p.Ser219fs; shifts the reading frame from serine 219.
Molecular consequence: frameshift variant.
Genome position (GRCh38, 1-based): chr4:122,742,547-122,742,550, AGCC deleted; deleting any 4 consecutive bases within chr4:122,742,546-122,742,550 gives the same sequence; the c. name uses the placement nearest the transcript's 3' end. VCF-style (leftmost placement, unchanged base first): chr4-122742545-ACAGC-A. GRCh37 (hg19) VCF-style: chr4-123663700-ACAGC-A.
Other names: c.655_658del, p.Ser219fs (NM_001178007.2); short protein forms S219fs.
Identifiers: ClinVar variation 2823000 (VCV002823000.3), dbSNP rs2485073277, ClinGen allele CA2578190008.

ClinVar aggregate classification (germline): Pathogenic (1 of 4 stars; one submission).

Conditions:
Bardet-Biedl syndrome (BBS). Identifiers: Orphanet 110, MedGen C0752166, MONDO:0015229.

Submission:

Labcorp Genetics (formerly Invitae), Labcorp
Classification: Pathogenic for Bardet-Biedl syndrome. Last evaluated: 2022-12-21. Review status: criteria provided, single submitter. Criteria: Invitae Variant Classification Sherloc (09022015). Collection method: clinical testing. Allele origin: germline.
Comment: For these reasons, this variant has been classified as Pathogenic. This sequence change creates a premature translational stop signal (p.Ser219Cysfs*12) in the BBS12 gene. While this is not anticipated to result in nonsense mediated decay, it is expected to disrupt the last 492 amino acid(s) of the BBS12 protein. This variant is not present in population databases (gnomAD no frequency). This variant has not been reported in the literature in individuals affected with BBS12-related conditions. This variant disrupts a region of the BBS12 protein in which other variant(s) (p.Ser701*) have been determined to be pathogenic (PMID: 20648243). This suggests that this is a clinically significant region of the protein, and that variants that disrupt it are likely to be disease-causing.

Literature cited by the submitters: PubMed 20648243.